The following is an entry in ClinVar:

ClinVar aggregate classification (germline): Conflicting classifications of pathogenicity. Review status: criteria provided, conflicting classifications (1 of 4 stars). 3 submissions from 3 submitters: Uncertain significance (2); Likely benign (1). Last evaluated 2025-10-02.

Conditions:
Agammaglobulinemia. Identifiers: Orphanet 183669, MedGen C0001768, MeSH D000361, MONDO:0015977, HP:0004432.
Inborn genetic diseases. Identifiers: MedGen C0950123, MeSH D030342.

Allele frequency attached by ClinVar (database versions not stated): gnomAD exomes 0.00001.

Submissions (3):

Ambry Genetics
Classification: Likely benign for Inborn genetic diseases. Last evaluated: 2025-10-02. Review status: criteria provided, single submitter. Criteria: Ambry Variant Classification Scheme 2023. Collection method: clinical testing. Allele origin: germline.

Labcorp Genetics (formerly Invitae), Labcorp
Classification: Uncertain significance. Last evaluated: 2023-06-17. Review status: criteria provided, single submitter. Criteria: Invitae Variant Classification Sherloc (09022015). Collection method: clinical testing. Allele origin: germline.
Comment: This sequence change replaces arginine, which is basic and polar, with histidine, which is basic and polar, at codon 1309 of the POLA1 protein (p.Arg1309His). This variant is present in population databases (no rsID available, gnomAD 0.02%), including at least one homozygous and/or hemizygous individual. This variant has not been reported in the literature in individuals affected with POLA1-related conditions. Advanced modeling of protein sequence and biophysical properties (such as structural, functional, and spatial information, amino acid conservation, physicochemical variation, residue mobility, and thermodynamic stability) performed at Invitae indicates that this missense variant is not expected to disrupt POLA1 protein function. In summary, the available evidence is currently insufficient to determine the role of this variant in disease. Therefore, it has been classified as a Variant of Uncertain Significance.

Cambridge Genomics Laboratory, East Genomic Laboratory Hub, NHS Genomic Medicine Service
Classification: Uncertain significance for Agammaglobulinemia. Last evaluated: 2019-07-11. Review status: criteria provided, single submitter. Criteria: ACGS Best Practice Guidelines for Variant Classification in Rare Disease 2020. Collection method: clinical testing. Allele origin: germline. Affected: yes. Observed: 1 variant allele.

NM_001330360.2(POLA1):c.3944G>A (p.Arg1315His)

Gene: POLA1 (DNA polymerase alpha 1, catalytic subunit; plus strand). Cytogenetic location: Xp22.11.
Variant type: single nucleotide variant.
Coding change: c.3944G>A on transcript NM_001330360.2 (MANE Select); coding-DNA position 3944, G replaced by A.
Protein change: p.Arg1315His; replaces arginine 1315 with histidine.
Molecular consequence: missense variant. On other transcripts: non-coding transcript variant (2).
Genome position (GRCh38, 1-based): chrX:24,843,574, G>A. VCF-style: chrX-24843574-G-A. GRCh37 (hg19) VCF-style: chrX-24861691-G-A.
Other names: c.3869G>A, p.Arg1290His (NM_001378303.1); c.3926G>A, p.Arg1309His (NM_016937.4); c.3926G>A (NM_016937.3); short protein forms R1309H, R1290H, R1315H.
Identifiers: ClinVar variation 2870679 (VCV002870679.5), dbSNP rs1472724099, ClinGen allele CA412608392.
Genomic context (GRCh38, chrX:24,843,574, plus strand): 5'-AATTTTTTGTATACTTCTCCTGACTTATGTAGGGAACAGATATGGAGCCCAGCTTGTATC[G>A]TTGCAGTAACATCGATTGTAAGGCTTCACCTCTGACCTTTACAGTACAACTGAGCAACAA-3'
Protein context (NP_001317289.1, residues 1305-1325): SGTDMEPSLY[Arg1315His]CSNIDCKASP